The following is an entry in ClinVar:

NM_001271938.2(MEGF8):c.6611G>A (p.Cys2204Tyr)

Gene: MEGF8 (multiple EGF like domains 8; plus strand). Cytogenetic location: 19q13.2.
Variant type: single nucleotide variant.
Coding change: c.6611G>A on transcript NM_001271938.2 (MANE Select); coding-DNA position 6611, G replaced by A.
Protein change: p.Cys2204Tyr; replaces cysteine 2204 with tyrosine.
Molecular consequence: missense variant.
Genome position (GRCh38, 1-based): chr19:42,368,972, G>A. VCF-style: chr19-42368972-G-A. GRCh37 (hg19) VCF-style: chr19-42873124-G-A.
Other names: c.6410G>A, p.Cys2137Tyr (NM_001410.3); short protein forms C2137Y, C2204Y.
Identifiers: ClinVar variation 3355922 (VCV003355922.1).

ClinVar aggregate classification (germline): Uncertain significance (0 of 4 stars; one submission).

Conditions:
MEGF8-related disorder. Also called: MEGF8-related condition.

Submission:

PreventionGenetics, part of Exact Sciences
Classification: Uncertain significance for MEGF8-related condition. Last evaluated: 2024-08-14. Review status: no assertion criteria provided. Collection method: clinical testing. Allele origin: germline.
Comment: The MEGF8 c.6410G>A variant is predicted to result in the amino acid substitution p.Cys2137Tyr. To our knowledge, this variant has not been reported in the literature or in a large population database, indicating this variant is rare. At this time, the clinical significance of this variant is uncertain due to the absence of conclusive functional and genetic evidence.